The following is an entry in ClinVar:

NM_000059.4(BRCA2):c.561G>T (p.Glu187Asp)

Gene: BRCA2 (BRCA2 DNA repair associated; plus strand). Cytogenetic location: 13q13.1.
Variant type: single nucleotide variant.
Coding change: c.561G>T on transcript NM_000059.4 (MANE Select); coding-DNA position 561, G replaced by T.
Protein change: p.Glu187Asp; replaces glutamic acid 187 with aspartic acid.
Molecular consequence: missense variant. On other transcripts: non-coding transcript variant (1).
Genome position (GRCh38, 1-based): chr13:32,326,543, G>T. VCF-style: chr13-32326543-G-T. GRCh37 (hg19) VCF-style: chr13-32900680-G-T.
Other names: c.192G>T, p.Glu64Asp (NM_001406722.1); c.561G>T, p.Glu187Asp (NM_001432077.1, NM_001406719.1, NM_001406720.1 and 1 more transcripts); short protein forms E187D, E64D.
Identifiers: ClinVar variation 4802262 (VCV004802262.1).
Genomic context (GRCh38, chr13:32,326,543, plus strand): 5'-TTTTCTTTCCTCCCAGGGTCGTCAGACACCAAAACATATTTCTGAAAGTCTAGGAGCTGA[G>T]GTGGATCCTGATATGTCTTGGTCAAGTTCTTTAGCTACACCACCCACCCTTAGTTCTACT-3'
Protein context (NP_000050.3, residues 177-197): PKHISESLGA[Glu187Asp]VDPDMSWSSS

ClinVar aggregate classification (germline): Uncertain significance (1 of 4 stars; one submission).

Conditions:
Hereditary breast ovarian cancer syndrome. Also called: Hereditary breast and ovarian cancer syndrome (HBOC); Hereditary breast and ovarian cancer; Breast and ovarian cancer; Hereditary breast and/or ovarian cancer syndrome; BRCA1- and BRCA2-Associated Hereditary Breast and Ovarian Cancer; Hereditary breast and ovarian cancer syndrome. Identifiers: Orphanet 145, MedGen C0677776, MeSH D061325, MONDO:0003582. Disease mechanism: loss of function.

Submission:

Labcorp Genetics (formerly Invitae), Labcorp
Classification: Uncertain significance for Hereditary breast ovarian cancer syndrome. Last evaluated: 2025-12-16. Review status: criteria provided, single submitter. Criteria: Invitae Variant Classification Sherloc (09022015). Collection method: clinical testing. Allele origin: germline.
Comment: This sequence change replaces glutamic acid, which is acidic and polar, with aspartic acid, which is acidic and polar, at codon 187 of the BRCA2 protein (p.Glu187Asp). This variant is present in population databases (rs754678843, gnomAD 0.002%). This variant has not been reported in the literature in individuals affected with BRCA2-related conditions. Invitae Evidence Modeling of protein sequence and biophysical properties (such as structural, functional, and spatial information, amino acid conservation, physicochemical variation, residue mobility, and thermodynamic stability) indicates that this missense variant is not expected to disrupt BRCA2 protein function with a negative predictive value of 95%. In summary, the available evidence is currently insufficient to determine the role of this variant in disease. Therefore, it has been classified as a Variant of Uncertain Significance.